The following is an entry in ClinVar:

ClinVar aggregate classification (germline): Conflicting classifications of pathogenicity. Review status: criteria provided, conflicting classifications (1 of 4 stars). 8 submissions from 8 submitters: Uncertain significance (1); Benign (1); Likely benign (5). 1 of the submissions does not count toward it. Last evaluated 2026-01-31.

Conditions:
Inborn genetic diseases. Identifiers: MedGen C0950123, MeSH D030342.
Pitt-Hopkins-like syndrome 2 (PTHSL2). Identifiers: Orphanet 221150, Orphanet 600663, MedGen C3280479, MONDO:0013690, OMIM 614325.
NRXN1-related disorder.

Allele frequency attached by ClinVar (database versions not stated): gnomAD exomes 0.00012 and 0.00037; ExAC 0.00078; gnomAD 0.00153 and 0.00146; 1000 Genomes Project 0.00120; ESP Exome Variant Server 0.00107; 1000 Genomes Project 30x 0.00109; TOPMed 0.00160.
gnomAD v4.1: 407 of 1,605,444 alleles (0.025%); highest among the groups gnomAD compares: African/African-American, 0.47%; no homozygotes.

Submissions (8):

Labcorp Genetics (formerly Invitae), Labcorp
Classification: Likely benign for Pitt-Hopkins-like syndrome 2. Last evaluated: 2026-01-31. Review status: criteria provided, single submitter. Criteria: Invitae Variant Classification Sherloc (09022015). Collection method: clinical testing. Allele origin: germline.

ARUP Laboratories, Molecular Genetics and Genomics, ARUP Laboratories
Classification: Likely benign. Last evaluated: 2024-10-11. Review status: criteria provided, single submitter. Criteria: ARUP Molecular Germline Variant Investigation Process 2024. Collection method: clinical testing. Allele origin: germline.

Ambry Genetics
Classification: Benign for Inborn genetic diseases. Last evaluated: 2024-02-29. Review status: criteria provided, single submitter. Criteria: Ambry Variant Classification Scheme 2023. Collection method: clinical testing. Allele origin: germline.

GeneDx
Classification: Likely benign. Last evaluated: 2021-01-29. Review status: criteria provided, single submitter. Criteria: GeneDx Variant Classification Process June 2021. Collection method: clinical testing. Allele origin: germline. Affected: yes.

Baylor Genetics
Classification: Uncertain significance for Pitt-Hopkins-like syndrome 2. Last evaluated: 2019-02-01. Review status: criteria provided, single submitter. Criteria: ACMG Guidelines, 2015. Collection method: clinical testing. Allele origin: paternal. Affected: yes.
Comment: This variant was determined to be of uncertain significance according to ACMG Guidelines, 2015 [PMID:25741868].

Illumina Laboratory Services, Illumina
Classification: Likely benign for Pitt-Hopkins-like syndrome 2. Last evaluated: 2018-01-13. Review status: criteria provided, single submitter. Criteria: ICSL Variant Classification Criteria 13 December 2019. Collection method: clinical testing. Allele origin: germline.
Comment: This variant was observed in the ICSL laboratory as part of a predisposition screen in an ostensibly healthy population. It had not been previously curated by ICSL or reported in the Human Gene Mutation Database (HGMD: prior to June 1st, 2018), and was therefore a candidate for classification through an automated scoring system. Utilizing variant allele frequency, disease prevalence and penetrance estimates, and inheritance mode, an automated score was calculated to assess if this variant is too frequent to cause the disease. Based on the score and internal cut-off values, a variant classified as likely benign is not then subjected to further curation. The score for this variant resulted in a classification of likely benign for this disease.

Eurofins Ntd Llc (ga)
Classification: Likely benign. Last evaluated: 2015-05-01. Review status: criteria provided, single submitter. Criteria: EGL Classification Definitions 2015. Collection method: clinical testing. Allele origin: germline. Observed: 4 variant alleles, 4 heterozygotes.

PreventionGenetics, part of Exact Sciences
Classification: Likely benign for NRXN1-related condition. Last evaluated: 2024-06-06. Review status: no assertion criteria provided. Collection method: clinical testing. Allele origin: germline. Not counted in ClinVar's aggregate classification.
Comment: This variant is classified as likely benign based on ACMG/AMP sequence variant interpretation guidelines (Richards et al. 2015 PMID: 25741868, with internal and published modifications).

NM_001330078.2(NRXN1):c.772+1078A>G

Gene: NRXN1 (neurexin 1; minus strand). Cytogenetic location: 2p16.3.
Variant type: single nucleotide variant.
Coding change: c.772+1078A>G on transcript NM_001330078.2 (MANE Select); 1078 bases into the intron after coding-DNA position 772, A replaced by G.
Molecular consequence: intron variant. On other transcripts: missense variant (1).
Genome position (GRCh38, 1-based): chr2:51,026,424, T>C on the plus strand (A>G on the coding strand, the complement: NRXN1 is on the minus strand). VCF-style: chr2-51026424-T-C. GRCh37 (hg19) VCF-style: chr2-51253562-T-C.
Other names: p.D273G:GAC>GGC; c.818A>G, p.Asp273Gly (NM_001135659.3); c.772+1078A>G (NM_001330096.2, NM_001330087.2, NM_001330083.2 and 14 more transcripts); c.818A>G (NM_001135659.2); short protein forms D273G.
Identifiers: ClinVar variation 167389 (VCV000167389.28), dbSNP rs144049982, ClinGen allele CA295629.